The following is an entry in ClinVar:

ClinVar aggregate classification (germline): Pathogenic (1 of 4 stars; one submission).

Submission:

Labcorp Genetics (formerly Invitae), Labcorp
Classification: Pathogenic. Last evaluated: 2024-12-19. Review status: criteria provided, single submitter. Criteria: Invitae Variant Classification Sherloc (09022015). Collection method: clinical testing. Allele origin: germline.
Comment: This sequence change creates a premature translational stop signal (p.Gln1814Ilefs*4) in the ANK1 gene. It is expected to result in an absent or disrupted protein product. Loss-of-function variants in ANK1 are known to be pathogenic (PMID: 8640229). This variant is not present in population databases (gnomAD no frequency). This variant has not been reported in the literature in individuals affected with ANK1-related conditions. For these reasons, this variant has been classified as Pathogenic.

Literature cited by the submitters: PubMed 8640229.

NM_000037.4(ANK1):c.5439_5440del (p.Gln1814fs)

Gene: ANK1 (ankyrin 1; minus strand). Cytogenetic location: 8p11.21.
Variant type: Deletion.
Coding change: c.5439_5440del on transcript NM_000037.4 (MANE Select); coding-DNA positions 5439 to 5440, 2 bases deleted (GC; older notation c.5439_5440delGC).
Protein change: p.Gln1814fs; shifts the reading frame from glutamine 1814.
Molecular consequence: frameshift variant.
Genome position (GRCh38, 1-based): chr8:41,663,697-41,663,698, GC deleted on the plus strand (GC on the coding strand, the reverse complement: ANK1 is on the minus strand). VCF-style (leftmost placement, unchanged base first): chr8-41663696-TGC-T. GRCh37 (hg19) VCF-style: chr8-41521214-TGC-T.
Other names: c.264_265del, p.Gln89fs (NM_001142445.2, NM_020478.5, NM_020480.5); c.5562_5563del, p.Gln1855fs (NM_001142446.2); c.5439_5440del, p.Gln1814fs (NM_020475.3, NM_020476.3); c.4953_4954del, p.Gln1652fs (NM_020477.3); short protein forms Q89fs, Q1652fs, Q1855fs, Q1814fs.
Identifiers: ClinVar variation 3727638 (VCV003727638.2).